The following is an entry in ClinVar:

ClinVar aggregate classification (germline): Uncertain significance (1 of 4 stars; one submission).

Conditions:
Propionic acidemia (PROP). Also called: GLYCINEMIA, KETOTIC; HYPERGLYCINEMIA WITH KETOACIDOSIS AND LEUKOPENIA; KETOTIC HYPERGLYCINEMIA. Identifiers: Orphanet 35, MedGen C0268579, MONDO:0011628, OMIM 606054, HP:0003571.

Submission:

Labcorp Genetics (formerly Invitae), Labcorp
Classification: Uncertain significance for Propionic acidemia. Last evaluated: 2022-11-08. Review status: criteria provided, single submitter. Criteria: Invitae Variant Classification Sherloc (09022015). Collection method: clinical testing. Allele origin: germline.
Comment: This sequence change replaces asparagine, which is neutral and polar, with aspartic acid, which is acidic and polar, at codon 270 of the PCCB protein (p.Asn270Asp). In summary, the available evidence is currently insufficient to determine the role of this variant in disease. Therefore, it has been classified as a Variant of Uncertain Significance. Advanced modeling of protein sequence and biophysical properties (such as structural, functional, and spatial information, amino acid conservation, physicochemical variation, residue mobility, and thermodynamic stability) performed at Invitae indicates that this missense variant is not expected to disrupt PCCB protein function. This variant has not been reported in the literature in individuals affected with PCCB-related conditions. This variant is not present in population databases (gnomAD no frequency).

NM_000532.5(PCCB):c.808A>G (p.Asn270Asp)

Gene: PCCB (propionyl-CoA carboxylase subunit beta; plus strand). Cytogenetic location: 3q22.3.
Variant type: single nucleotide variant.
Coding change: c.808A>G on transcript NM_000532.5 (MANE Select); coding-DNA position 808, A replaced by G.
Protein change: p.Asn270Asp; replaces asparagine 270 with aspartic acid.
Molecular consequence: missense variant.
Genome position (GRCh38, 1-based): chr3:136,297,996, A>G. VCF-style: chr3-136297996-A-G. GRCh37 (hg19) VCF-style: chr3-136016838-A-G.
Other names: c.868A>G, p.Asn290Asp (NM_001178014.2); short protein forms N270D, N290D.
Identifiers: ClinVar variation 2868033 (VCV002868033.3), dbSNP rs1265993334, ClinGen allele CA354644585.
Genomic context (GRCh38, chr3:136,297,996, plus strand): 5'-CTCCCTGTTCTCTTAGGTGTGGCCCACAGAGCTTTTGAAAATGATGTTGATGCCTTGTGT[A>G]ATCTCCGGGATTTCTTCAACTACCTGCCCCTGAGCAGTCAGGACCCGGCTCCCGTCCGTG-3'
Protein context (NP_000523.2, residues 260-280): AFENDVDALC[Asn270Asp]LRDFFNYLPL